The following is an entry in ClinVar:

ClinVar aggregate classification (germline): Conflicting classifications of pathogenicity. Review status: criteria provided, conflicting classifications (1 of 4 stars). 2 submissions from 2 submitters: Uncertain significance (1); Likely benign (1). Last evaluated 2024-05-01.

Conditions:
Brugada syndrome 8 (BRGDA8). Identifiers: Orphanet 130, MedGen C2751083, MONDO:0013148, OMIM 613123.

Allele frequency attached by ClinVar (database versions not stated): gnomAD exomes 0.00001 and 0.00003; ExAC 0.00003; gnomAD 0.00003; TOPMed 0.00003.
gnomAD v4.1: 21 of 1,601,164 alleles (0.0013%); highest among the groups gnomAD compares: Admixed American, 0.005%; no homozygotes.

Submissions (2):

Labcorp Genetics (formerly Invitae), Labcorp
Classification: Uncertain significance for Brugada syndrome 8. Last evaluated: 2024-05-01. Review status: criteria provided, single submitter. Criteria: Invitae Variant Classification Sherloc (09022015). Collection method: clinical testing. Allele origin: germline.
Comment: This sequence change replaces alanine, which is neutral and non-polar, with valine, which is neutral and non-polar, at codon 836 of the HCN4 protein (p.Ala836Val). This variant is present in population databases (rs755045071, gnomAD 0.02%). This variant has not been reported in the literature in individuals affected with HCN4-related conditions. ClinVar contains an entry for this variant (Variation ID: 538086). Advanced modeling of protein sequence and biophysical properties (such as structural, functional, and spatial information, amino acid conservation, physicochemical variation, residue mobility, and thermodynamic stability) performed at Invitae indicates that this missense variant is not expected to disrupt HCN4 protein function with a negative predictive value of 80%. In summary, the available evidence is currently insufficient to determine the role of this variant in disease. Therefore, it has been classified as a Variant of Uncertain Significance.

Blueprint Genetics
Classification: Likely benign. Last evaluated: 2021-09-20. Review status: criteria provided, single submitter. Criteria: ACMG Guidelines, 2015. Collection method: clinical testing. Allele origin: germline.

NM_005477.3(HCN4):c.2507C>T (p.Ala836Val)

Gene: HCN4 (hyperpolarization activated cyclic nucleotide gated potassium channel 4; minus strand). Cytogenetic location: 15q24.1.
Variant type: single nucleotide variant.
Coding change: c.2507C>T on transcript NM_005477.3 (MANE Select); coding-DNA position 2507, C replaced by T.
Protein change: p.Ala836Val; replaces alanine 836 with valine.
Molecular consequence: missense variant.
Genome position (GRCh38, 1-based): chr15:73,323,586, G>A on the plus strand (C>T on the coding strand, the complement: HCN4 is on the minus strand). VCF-style: chr15-73323586-G-A. GRCh37 (hg19) VCF-style: chr15-73615927-G-A.
Other names: short protein forms A836V.
Identifiers: ClinVar variation 538086 (VCV000538086.8), dbSNP rs755045071, ClinGen allele CA7649014.
Genomic context (GRCh38, chr15:73,323,586, plus strand): 5'-GAGGATGAAGACGGTGTGTCCACCTGGGACGGGCTGCTGGCGGGCGAGGCGGAGCCCAGC[G>A]CAGAAGGGATCAGGGACTGCAGCCGTTTCAGGTGCCTTGGCGTCTGCCCGGCACCGAGGT-3'
Protein context (NP_005468.1, residues 826-846): LKRLQSLIPS[Ala836Val]LGSASPASSP